The following is an entry in ClinVar:

NM_002439.5(MSH3):c.244G>A (p.Glu82Lys)

Gene: MSH3 (mutS homolog 3; plus strand). Cytogenetic location: 5q14.1.
Variant type: single nucleotide variant.
Coding change: c.244G>A on transcript NM_002439.5 (MANE Select); coding-DNA position 244, G replaced by A.
Protein change: p.Glu82Lys; replaces glutamic acid 82 with lysine.
Molecular consequence: missense variant.
Genome position (GRCh38, 1-based): chr5:80,656,417, G>A. VCF-style: chr5-80656417-G-A. GRCh37 (hg19) VCF-style: chr5-79952236-G-A.
Other names: short protein forms E82K.
Identifiers: ClinVar variation 650250 (VCV000650250.11), dbSNP rs1445966245, ClinGen allele CA360266108.
Genomic context (GRCh38, chr5:80,656,417, plus strand): 5'-TCAGGCCTTCTCAGAGTAGAGATAACACATCATTTTCTAACCTTCCCGATATAGGCTACA[G>A]AAATTGACAGAAGAAAGAAGAGACCATTGGAAAATGATGGGCCTGTTAAAAAGAAAGTAA-3'
Protein context (NP_002430.3, residues 72-92): PPQLPPHIAT[Glu82Lys]IDRRKKRPLE

ClinVar aggregate classification (germline): Uncertain significance. Review status: criteria provided, multiple submitters, no conflicts (2 of 4 stars). 2 submissions from 2 submitters: Uncertain significance (2). Last evaluated 2025-05-13.

Conditions:
Hereditary cancer-predisposing syndrome. Also called: Neoplastic Syndromes, Hereditary; Tumor predisposition; Hereditary Cancer Syndrome; Hereditary neoplastic syndrome. Identifiers: Orphanet 140162, MedGen C0027672, MeSH D009386, MONDO:0015356.

Allele frequency attached by ClinVar (database versions not stated): gnomAD exomes below 0.00001 and 0.00001.
gnomAD v4.1: 4 of 1,614,112 alleles (0.00025%); highest among the groups gnomAD compares: Non-Finnish European, 0.00034%; no homozygotes.

Submissions (2):

Labcorp Genetics (formerly Invitae), Labcorp
Classification: Uncertain significance. Last evaluated: 2025-05-13. Review status: criteria provided, single submitter. Criteria: Invitae Variant Classification Sherloc (09022015). Collection method: clinical testing. Allele origin: germline.
Comment: This sequence change replaces glutamic acid, which is acidic and polar, with lysine, which is basic and polar, at codon 82 of the MSH3 protein (p.Glu82Lys). This variant is present in population databases (no rsID available, gnomAD 0.0009%). This variant has not been reported in the literature in individuals affected with MSH3-related conditions. ClinVar contains an entry for this variant (Variation ID: 650250). An algorithm developed to predict the effect of missense changes on protein structure and function outputs the following: PolyPhen-2: "Benign". The lysine amino acid residue is found in multiple mammalian species, which suggests that this missense change does not adversely affect protein function. In summary, the available evidence is currently insufficient to determine the role of this variant in disease. Therefore, it has been classified as a Variant of Uncertain Significance.

Ambry Genetics
Classification: Uncertain significance for Hereditary cancer-predisposing syndrome. Last evaluated: 2023-12-05. Review status: criteria provided, single submitter. Criteria: Ambry Variant Classification Scheme 2023. Collection method: clinical testing. Allele origin: germline.
Comment: The p.E82K variant (also known as c.244G>A), located in coding exon 2 of the MSH3 gene, results from a G to A substitution at nucleotide position 244. The glutamic acid at codon 82 is replaced by lysine, an amino acid with similar properties. This amino acid position is not well conserved in available vertebrate species. In addition, this alteration is predicted to be tolerated by in silico analysis. Since supporting evidence is limited at this time, the clinical significance of this alteration remains unclear.